The following is an entry in ClinVar:

NM_006005.3(WFS1):c.1957C>T (p.Arg653Cys)

Gene: WFS1 (wolframin ER transmembrane glycoprotein; plus strand). Cytogenetic location: 4p16.1.
Variant type: single nucleotide variant.
Coding change: c.1957C>T on transcript NM_006005.3 (MANE Select); coding-DNA position 1957, C replaced by T.
Protein change: p.Arg653Cys; replaces arginine 653 with cysteine.
Molecular consequence: missense variant.
Genome position (GRCh38, 1-based): chr4:6,301,752, C>T. VCF-style: chr4-6301752-C-T. GRCh37 (hg19) VCF-style: chr4-6303479-C-T.
Other names: p.R653C:CGC>TGC; NM_001145853.1(WFS1):c.1957C>T(p.Arg653Cys); NM_006005.3(WFS1):c.1957C>T(p.Arg653Cys); c.1957C>T, p.Arg653Cys (NM_001145853.1); short protein forms R653C.
Identifiers: ClinVar variation 178597 (VCV000178597.29), dbSNP rs201064551, ClinGen allele CA295791.

ClinVar aggregate classification (germline): Conflicting classifications of pathogenicity. Review status: criteria provided, conflicting classifications (1 of 4 stars). 12 submissions from 11 submitters: Likely pathogenic (1); Uncertain significance (8); Likely benign (2). 1 of the submissions does not count toward it. Last evaluated 2026-01-24.

Conditions:
Retinal dystrophy. Also called: Inherited retinal dystrophy. Identifiers: Orphanet 71862, MedGen C0854723, MeSH D058499, MONDO:0019118, HP:0000556.
Autosomal dominant nonsyndromic hearing loss 6 (LFSNHL). Also called: DEAFNESS, AUTOSOMAL DOMINANT 14; DEAFNESS, AUTOSOMAL DOMINANT 38; Autosomal dominant nonsyndromic deafness 6; DEAFNESS, AUTOSOMAL DOMINANT 6. Identifiers: Orphanet 90635, MedGen C1833021, MONDO:0010963, OMIM 600965.
WFS1-related disorder. Identifiers: MedGen CN379391, MONDO:0700293.
WFS1-Related Spectrum Disorders.
Cataract 41 (CTRCT41). Also called: CATARACT 41, CONGENITAL NUCLEAR TYPE. Identifiers: Orphanet 91492, Orphanet 98991, Orphanet 98992, Orphanet 98995, MedGen C3805412, MONDO:0007287, OMIM 116400.
Wolfram-like syndrome. Also called: HEARING LOSS, PROGRESSIVE, WITH OPTIC ATROPHY AND/OR IMPAIRED GLUCOSE REGULATION. Identifiers: Orphanet 411590, MedGen C3280358, MONDO:0013673, OMIM 614296.
Wolfram syndrome 1 (WFS1). Identifiers: Orphanet 3463, MedGen C4551693, MONDO:0009101, OMIM 222300.
Type 2 diabetes mellitus. Also called: Type II diabetes mellitus. Identifiers: MedGen C0011860, MeSH D003924, MONDO:0005148, OMIM 125853, HP:0005978.

Allele frequency attached by ClinVar (database versions not stated): 1000 Genomes Project 30x 0.00016; 1000 Genomes Project 0.00020; gnomAD 0.00022 and 0.00024; ESP Exome Variant Server 0.00023; gnomAD exomes 0.00027 and 0.00072; TOPMed 0.00037; ExAC 0.00067.

Submissions (12):

Labcorp Genetics (formerly Invitae), Labcorp
Classification: Likely benign. Last evaluated: 2026-01-24. Review status: criteria provided, single submitter. Criteria: Invitae Variant Classification Sherloc (09022015). Collection method: clinical testing. Allele origin: germline.

Laboratory of Prof. Karen Avraham, Tel Aviv University
Classification: Likely pathogenic for Autosomal dominant nonsyndromic hearing loss 6. Last evaluated: 2026-01-13. Review status: criteria provided, single submitter. Criteria: ACMG Guidelines, 2015. Collection method: research. Allele origin: germline. Inheritance: Autosomal dominant inheritance. Affected: yes. Observed: 4 variant alleles.
Comment: Likely pathogenic by Deafness Variation Databse based on PMID:10679252, 25388789

DFNA6; Variable HL

Blueprint Genetics
Classification: Likely benign. Last evaluated: 2024-11-22. Review status: criteria provided, single submitter. Criteria: ACMG Guidelines, 2015. Collection method: clinical testing. Allele origin: germline.

Mayo Clinic Laboratories, Mayo Clinic
Classification: Uncertain significance. Last evaluated: 2023-12-12. Review status: criteria provided, single submitter. Criteria: ACMG Guidelines, 2015. Collection method: clinical testing. Allele origin: germline. Observed: 1 variant allele.
Comment: BS1, PP3

GeneDx
Classification: Uncertain significance. Last evaluated: 2022-06-08. Review status: criteria provided, single submitter. Criteria: GeneDx Variant Classification Process June 2021. Collection method: clinical testing. Allele origin: germline. Affected: yes.
Comment: Identified in an individual with hearing loss; no detailed clinical information or segregation information was provided for this individual (Chen et al., 2016); Identified in an individual with type II diabetes; no detailed clinical information or segregation information was provided for this individual (Awata et al., 2000); In silico analysis, which includes protein predictors and evolutionary conservation, supports a deleterious effect; This variant is associated with the following publications: (PMID: 12955714, 31264968, 11317350, 31879078, 33046911, 10679252, 25388789, 27610647, 30174017)

Institute of Human Genetics, Univ. Regensburg, Univ. Regensburg
Classification: Uncertain significance for Retinal dystrophy. Last evaluated: 2022-01-01. Review status: criteria provided, single submitter. Criteria: ACMG Guidelines, 2015. Collection method: clinical testing. Allele origin: germline. Affected: yes.

SIB Swiss Institute of Bioinformatics
Classification: Uncertain significance for Autosomal dominant nonsyndromic hearing loss 6. Last evaluated: 2018-05-31. Review status: criteria provided, single submitter. Criteria: ACMG Guidelines, 2015. Collection method: curation. Allele origin: unknown.
Comment: This variant is interpreted as a Uncertain Significance - Conflicting Evidence, for Deafness, in Autosomal Dominant manner. The following ACMG Tag(s) were applied: PP3 => Multiple lines of computational evidence support a deleterious effect on the gene or gene product. PP1 => Cosegregation with disease in multiple affected family members in a gene definitively known to cause the disease (PMID:25388789). BS1 => Allele frequency is greater than expected for disorder.

Fulgent Genetics
Classification: Uncertain significance for Cataract 41; Type 2 diabetes mellitus; Wolfram syndrome 1; Autosomal dominant nonsyndromic hearing loss 6; Wolfram-like syndrome. Last evaluated: 2017-05-23. Review status: criteria provided, single submitter. Criteria: ACMG Guidelines, 2015. Collection method: clinical testing. Allele origin: unknown.

Illumina Laboratory Services, Illumina
Classification: Uncertain significance for Autosomal dominant nonsyndromic hearing loss 6. Last evaluated: 2017-04-27. Review status: criteria provided, single submitter. Criteria: ICSL Variant Classification Criteria 13 December 2019. Collection method: clinical testing. Allele origin: germline.
Comment: This variant was observed as part of a predisposition screen in an ostensibly healthy population. A literature search was performed for the gene, cDNA change, and amino acid change (where applicable). Publications were found based on this search. However, the evidence from the literature, in combination with allele frequency data from public databases where available, was not sufficient to rule this variant in or out of causing disease. Therefore, this variant is classified as a variant of unknown significance.

Illumina Laboratory Services, Illumina
Classification: Uncertain significance for WFS1-Related Spectrum Disorders. Last evaluated: 2017-04-27. Review status: criteria provided, single submitter. Criteria: ICSL Variant Classification Criteria 13 December 2019. Collection method: clinical testing. Allele origin: germline.
Comment: the same text as in the submission from Illumina Laboratory Services, Illumina above.

Laboratory for Molecular Medicine, Mass General Brigham Personalized Medicine
Classification: Uncertain significance. Last evaluated: 2014-02-01. Review status: criteria provided, single submitter. Criteria: LMM Criteria. Collection method: clinical testing. Allele origin: germline. Observed: 1 variant allele.
Comment: The Arg653Cys variant in WFS1 has not been previously reported in individuals wi th hearing loss. This variant has been identified in 0.035% (3/8600) of European American chromosomes by the NHLBI Exome Sequencing Project (dbSNP rs201064551). Computational analyses (biochemical amino ac id properties, conservation, AlignGVGD, PolyPhen2, and SIFT) do not provide stro ng support for or against an impact to the protein. In summary, additional infor mation is needed to determine the clinical significance of this variant.

PreventionGenetics, part of Exact Sciences
Classification: Likely benign for WFS1-related condition. Last evaluated: 2020-03-03. Review status: no assertion criteria provided. Collection method: clinical testing. Allele origin: germline. Not counted in ClinVar's aggregate classification.
Comment: This variant is classified as likely benign based on ACMG/AMP sequence variant interpretation guidelines (Richards et al. 2015 PMID: 25741868, with internal and published modifications).

Literature cited by the submitters: PubMed 10679252 (cited by 4 submitters); PubMed 25388789 (cited by 4 submitters); PubMed 31264968 (cited by Mayo Clinic Laboratories, Mayo Clinic and Institute of Human Genetics, Univ. Regensburg, Univ. Regensburg); PubMed 33046911 (cited by Institute of Human Genetics, Univ. Regensburg, Univ. Regensburg).